The following is an entry in ClinVar:

ClinVar aggregate classification (germline): Uncertain significance (1 of 4 stars; one submission).

Submission:

Labcorp Genetics (formerly Invitae), Labcorp
Classification: Uncertain significance. Last evaluated: 2023-06-16. Review status: criteria provided, single submitter. Criteria: Invitae Variant Classification Sherloc (09022015). Collection method: clinical testing. Allele origin: germline.
Comment: In summary, the available evidence is currently insufficient to determine the role of this variant in disease. Therefore, it has been classified as a Variant of Uncertain Significance. An algorithm developed to predict the effect of missense changes on protein structure and function (PolyPhen-2) suggests that this variant is likely to be disruptive. This variant has not been reported in the literature in individuals affected with TNFRSF11A-related conditions. This variant is not present in population databases (gnomAD no frequency). This sequence change replaces valine, which is neutral and non-polar, with methionine, which is neutral and non-polar, at codon 570 of the TNFRSF11A protein (p.Val570Met).

NM_003839.4(TNFRSF11A):c.1708G>A (p.Val570Met)

Gene: TNFRSF11A (TNF receptor superfamily member 11a; plus strand). Cytogenetic location: 18q21.33.
Variant type: single nucleotide variant.
Coding change: c.1708G>A on transcript NM_003839.4 (MANE Select); coding-DNA position 1708, G replaced by A.
Protein change: p.Val570Met; replaces valine 570 with methionine.
Molecular consequence: missense variant. On other transcripts: 3 prime UTR variant (1).
Genome position (GRCh38, 1-based): chr18:62,384,891, G>A. VCF-style: chr18-62384891-G-A. GRCh37 (hg19) VCF-style: chr18-60052124-G-A.
Other names: c.*132G>A (NM_001270949.2); c.871G>A, p.Val291Met (NM_001270950.2); c.757G>A, p.Val253Met (NM_001270951.2); c.1666G>A, p.Val556Met (NM_001278268.2); short protein forms V291M, V253M, V556M, V570M.
Identifiers: ClinVar variation 2800125 (VCV002800125.3), dbSNP rs2511621039, ClinGen allele CA402620356.